The following is an entry in ClinVar:

ClinVar aggregate classification (germline): Conflicting classifications of pathogenicity. Review status: criteria provided, conflicting classifications (1 of 4 stars). 2 submissions from 2 submitters: Uncertain significance (1); Benign (1). Last evaluated 2024-10-14.

Conditions:
Adult-onset autosomal dominant demyelinating leukodystrophy. Identifiers: Orphanet 99027, MedGen C1868512, MONDO:0008215.

Allele frequency attached by ClinVar (database versions not stated): gnomAD exomes 0.00001 and 0.00002; gnomAD 0.00002; ExAC 0.00003; TOPMed 0.00003; ESP Exome Variant Server 0.00031.
gnomAD v4.1: 26 of 1,613,516 alleles (0.0016%); highest among the groups gnomAD compares: Non-Finnish European, 0.0021%; no homozygotes.

Submissions (2):

Labcorp Genetics (formerly Invitae), Labcorp
Classification: Uncertain significance. Last evaluated: 2024-10-14. Review status: criteria provided, single submitter. Criteria: Invitae Variant Classification Sherloc (09022015). Collection method: clinical testing. Allele origin: germline.
Comment: This sequence change replaces serine, which is neutral and polar, with asparagine, which is neutral and polar, at codon 393 of the LMNB1 protein (p.Ser393Asn). This variant is present in population databases (rs150504258, gnomAD 0.003%). This variant has not been reported in the literature in individuals affected with LMNB1-related conditions. ClinVar contains an entry for this variant (Variation ID: 976612). Invitae Evidence Modeling of protein sequence and biophysical properties (such as structural, functional, and spatial information, amino acid conservation, physicochemical variation, residue mobility, and thermodynamic stability) indicates that this missense variant is expected to disrupt LMNB1 protein function with a positive predictive value of 80%. In summary, the available evidence is currently insufficient to determine the role of this variant in disease. Therefore, it has been classified as a Variant of Uncertain Significance.

Illumina Laboratory Services, Illumina
Classification: Benign for Leukodystrophy, demyelinating, adult-onset, autosomal dominant, typical. Last evaluated: 2017-04-28. Review status: criteria provided, single submitter. Criteria: ICSL Variant Classification Criteria 13 December 2019. Collection method: clinical testing. Allele origin: germline.
Comment: This variant was observed as part of a predisposition screen in an ostensibly healthy population. A literature search was performed for the gene, cDNA change, and amino acid change (where applicable). No publications were found based on this search. Allele frequency data from public databases was too high to be consistent with this variant causing disease. Therefore, this variant is classified as benign.

NM_005573.4(LMNB1):c.1178G>A (p.Ser393Asn)

Gene: LMNB1 (lamin B1; plus strand). Cytogenetic location: 5q23.2.
Variant type: single nucleotide variant.
Coding change: c.1178G>A on transcript NM_005573.4 (MANE Select); coding-DNA position 1178, G replaced by A.
Protein change: p.Ser393Asn; replaces serine 393 with asparagine.
Molecular consequence: missense variant. On other transcripts: non-coding transcript variant (1).
Genome position (GRCh38, 1-based): chr5:126,820,927, G>A. VCF-style: chr5-126820927-G-A. GRCh37 (hg19) VCF-style: chr5-126156619-G-A.
Other names: c.548G>A, p.Ser183Asn (NM_001198557.2); short protein forms S393N, S183N.
Identifiers: ClinVar variation 976612 (VCV000976612.6), dbSNP rs150504258, ClinGen allele CA3390665.